The following is an entry in ClinVar:

NM_000093.5(COL5A1):c.732_733del (p.Cys244_Asp245delinsTer)

Gene: COL5A1 (collagen type V alpha 1 chain; plus strand). Cytogenetic location: 9q34.3.
Variant type: Microsatellite.
Coding change: c.732_733del on transcript NM_000093.5 (MANE Select); coding-DNA positions 732 to 733, 2 bases deleted (TG; older notation c.732_733delTG).
Protein change: p.Cys244_Asp245delinsTer.
Molecular consequence: nonsense.
Genome position (GRCh38, 1-based): chr9:134,727,343-134,727,344, TG deleted; deleting any 2 consecutive bases within chr9:134,727,341-134,727,344 gives the same sequence; the c. name uses the placement nearest the transcript's 3' end. VCF-style (leftmost placement, unchanged base first): chr9-134727340-CTG-C. GRCh37 (hg19) VCF-style: chr9-137619186-CTG-C.
Other names: c.732_733del, p.Cys244_Asp245delinsTer (NM_001278074.1).
Identifiers: ClinVar variation 504044 (VCV000504044.4), dbSNP rs1554787557, ClinGen allele CA658797366.

ClinVar aggregate classification (germline): Pathogenic. Review status: criteria provided, multiple submitters, no conflicts (2 of 4 stars). 2 submissions from 2 submitters: Pathogenic (2). Last evaluated 2024-03-05.

Conditions:
Ehlers-Danlos syndrome, classic type, 1 (EDSCL1). Also called: EHLERS-DANLOS SYNDROME, GRAVIS TYPE; EHLERS-DANLOS SYNDROME, SEVERE CLASSIC TYPE; EDS I; Ehlers-Danlos Syndrome, Classic Type, COL5A1-Related; Ehlers-Danlos syndrome, type 1. Identifiers: MedGen C0268335, MONDO:0019567, OMIM 130000.

Submissions (2):

Labcorp Genetics (formerly Invitae), Labcorp
Classification: Pathogenic for Ehlers-Danlos syndrome, classic type, 1. Last evaluated: 2024-03-05. Review status: criteria provided, single submitter. Criteria: Invitae Variant Classification Sherloc (09022015). Collection method: clinical testing. Allele origin: germline.
Comment: This sequence change creates a premature translational stop signal (p.Cys244*) in the COL5A1 gene. It is expected to result in an absent or disrupted protein product. Loss-of-function variants in COL5A1 are known to be pathogenic (PMID: 23587214). This variant is not present in population databases (gnomAD no frequency). This variant has not been reported in the literature in individuals affected with COL5A1-related conditions. For these reasons, this variant has been classified as Pathogenic.

GeneDx
Classification: Pathogenic. Last evaluated: 2018-09-20. Review status: criteria provided, single submitter. Criteria: GeneDx Variant Classification (06012015). Collection method: clinical testing. Allele origin: germline. Affected: yes.
Comment: Although the c.732_733delTG pathogenic variant in the COL5A1 gene has not been reported to our knowledge, this variant results in the deletion of two base pairs, which leads to the replacement of a cysteine (C) residue with a premature stop codon at position 244, denoted C244X. This variant is predicted to cause loss of normal protein function either by protein truncation or nonsense-mediated mRNA decay. Multiple other truncating variants in the COL5A1 gene have been reported in the HGMD database in association with EDS (Stenson et al., 2014). Furthermore, the c.732_733delTG variant is not observed in large population cohorts (Lek et al., 2016), indicating it is not a common benign variant.In summary, c.732_733delTG in the COL5A1 gene is interpreted as a pathogenic variant.

Literature cited by the submitters: PubMed 23587214 (cited by Labcorp Genetics (formerly Invitae), Labcorp).